The following is an entry in ClinVar:

ClinVar aggregate classification (germline): Uncertain significance (1 of 4 stars; one submission).

Conditions:
Glycogen storage disease, type II (IOPD). Also called: CARDIOMEGALIA GLYCOGENICA DIFFUSA; GLYCOGENOSIS, GENERALIZED, CARDIAC FORM; GSD II; POMPE DISEASE, INFANTILE-ONSET; GLYCOGEN STORAGE DISEASE II, INFANTILE-ONSET; ACID ALPHA-GLUCOSIDASE DEFICIENCY, INFANTILE-ONSET. Identifiers: Orphanet 365, MedGen C0017921, MONDO:0009290, OMIM 232300.

gnomAD v4.1: 2 of 1,612,364 alleles (0.00012%); highest among the groups gnomAD compares: South Asian, 0.0022%; no homozygotes.

Submission:

Labcorp Genetics (formerly Invitae), Labcorp
Classification: Uncertain significance for Glycogen storage disease, type II. Last evaluated: 2017-12-04. Review status: criteria provided, single submitter. Criteria: Invitae Variant Classification Sherloc (09022015). Collection method: clinical testing. Allele origin: germline.
Comment: This sequence change replaces glycine with alanine at codon 116 of the GAA protein (p.Gly116Ala). The glycine residue is weakly conserved and there is a small physicochemical difference between glycine and alanine. This variant is not present in population databases (ExAC no frequency). This variant has not been reported in the literature in individuals with GAA-related disease. Algorithms developed to predict the effect of missense changes on protein structure and function output the following: SIFT: "Tolerated"; PolyPhen-2: "Benign"; Align-GVGD: "Class C0". The alanine amino acid residue is found in multiple mammalian species, suggesting that this missense change does not adversely affect protein function. These predictions have not been confirmed by published functional studies and their clinical significance is uncertain. In summary, the available evidence is currently insufficient to determine the role of this variant in disease. Therefore, it has been classified as a Variant of Uncertain Significance.

NM_000152.5(GAA):c.347G>C (p.Gly116Ala)

Gene: GAA (alpha glucosidase; plus strand). Cytogenetic location: 17q25.3.
Variant type: single nucleotide variant.
Coding change: c.347G>C on transcript NM_000152.5 (MANE Select); coding-DNA position 347, G replaced by C.
Protein change: p.Gly116Ala; replaces glycine 116 with alanine.
Molecular consequence: missense variant.
Genome position (GRCh38, 1-based): chr17:80,104,933, G>C. VCF-style: chr17-80104933-G-C. GRCh37 (hg19) VCF-style: chr17-78078732-G-C.
Other names: c.347G>C (LRG_673t1); c.347G>C, p.Gly116Ala (NM_001079803.3, NM_001079804.3); short protein forms G116A.
Identifiers: ClinVar variation 526520 (VCV000526520.1), dbSNP rs754285414, ClinGen allele CA401360842.